The following is an entry in ClinVar:

NM_138576.4(BCL11B):c.2536C>G (p.His846Asp)

Gene: BCL11B (BCL11 transcription factor B; minus strand). Cytogenetic location: 14q32.2.
Variant type: single nucleotide variant.
Coding change: c.2536C>G on transcript NM_138576.4 (MANE Select); coding-DNA position 2536, C replaced by G.
Protein change: p.His846Asp; replaces histidine 846 with aspartic acid.
Molecular consequence: missense variant.
Genome position (GRCh38, 1-based): chr14:99,174,300, G>C on the plus strand (C>G on the coding strand, the complement: BCL11B is on the minus strand). VCF-style: chr14-99174300-G-C. GRCh37 (hg19) VCF-style: chr14-99640637-G-C.
Other names: c.2533C>G, p.His845Asp (NM_001282237.2); c.2320C>G, p.His774Asp (NM_001282238.2); c.2323C>G, p.His775Asp (NM_022898.3); short protein forms H774D, H775D, H845D, H846D.
Identifiers: ClinVar variation 1801068 (VCV001801068.1), dbSNP rs2503635965, ClinGen allele CA390932991.

ClinVar aggregate classification (germline): Likely pathogenic (1 of 4 stars; one submission).

Submission:

GeneDx
Classification: Likely pathogenic. Last evaluated: 2022-11-19. Review status: criteria provided, single submitter. Criteria: GeneDx Variant Classification Process June 2021. Collection method: clinical testing. Allele origin: germline. Affected: yes.
Comment: In silico analysis supports that this missense variant has a deleterious effect on protein structure/function; Not observed at significant frequency in large population cohorts (gnomAD); Has not been previously published as pathogenic or benign to our knowledge